The following is an entry in ClinVar:

ClinVar aggregate classification (germline): Uncertain significance (1 of 4 stars; one submission).

Conditions:
Developmental and epileptic encephalopathy, 36 (DEE36). Also called: Congenital disorder of glycosylation, type Is; Epileptic encephalopathy, early infantile, 36; ALG13-CDG. Identifiers: Orphanet 324422, MedGen C4317295, MONDO:0010472, OMIM 300884.

Submission:

Labcorp Genetics (formerly Invitae), Labcorp
Classification: Uncertain significance for Developmental and epileptic encephalopathy, 36. Last evaluated: 2020-11-16. Review status: criteria provided, single submitter. Criteria: Invitae Variant Classification Sherloc (09022015). Collection method: clinical testing. Allele origin: germline.
Comment: This sequence change creates a premature translational stop signal (p.Thr200Valfs*5) in the ALG13 gene. It is expected to result in an absent or disrupted protein product. This variant is not present in population databases (ExAC no frequency). This variant has not been reported in the literature in individuals with ALG13-related conditions. The current clinical and genetic evidence is not sufficient to establish whether loss-of-function variants in ALG13 cause disease. In summary, the available evidence is currently insufficient to determine the role of this variant in disease. Therefore, it has been classified as a Variant of Uncertain Significance.

NM_001099922.3(ALG13):c.598_602del (p.Thr200fs)

Gene: ALG13 (ALG13 UDP-N-acetylglucosaminyltransferase subunit; plus strand). Cytogenetic location: Xq23.
Variant type: Deletion.
Coding change: c.598_602del on transcript NM_001099922.3 (MANE Select); coding-DNA positions 598 to 602, 5 bases deleted (ACCCT; older notation c.598_602delACCCT).
Protein change: p.Thr200fs; shifts the reading frame from threonine 200.
Molecular consequence: frameshift variant. On other transcripts: non-coding transcript variant (1).
Genome position (GRCh38, 1-based): chrX:111,708,241-111,708,245, ACCCT deleted. VCF-style (leftmost placement, unchanged base first): chrX-111708240-CACCCT-C. GRCh37 (hg19) VCF-style: chrX-110951468-CACCCT-C.
Other names: c.286_290del, p.Thr96fs (NM_001257230.2, NM_001257234.2, NM_001257237.2 and 1 more transcripts); c.364_368del, p.Thr122fs (NM_001257231.2); c.598_602del, p.Thr200fs (NM_001324292.2); short protein forms T200fs, T122fs, T96fs.
Identifiers: ClinVar variation 1035205 (VCV001035205.7), dbSNP rs1939127665, ClinGen allele CA2451801088.